The following continues an entry in ClinVar:

NM_000059.4(BRCA2):c.4398_4402del (p.Leu1466fs)

Gene: BRCA2. ClinVar aggregate classification (germline): Pathogenic. Pathogenic (1).

Submissions 9 to 23 of 23:

Fulgent Genetics
Classification: Pathogenic for Familial cancer of breast; Medulloblastoma; Familial prostate cancer; Wilms tumor 1; Fanconi anemia complementation group D1; Breast-ovarian cancer, familial, susceptibility to, 2; Glioma susceptibility 3; Pancreatic cancer, susceptibility to, 2. Last evaluated: 2024-05-08. Review status: criteria provided, single submitter. Criteria: ACMG Guidelines, 2015. Collection method: clinical testing. Allele origin: germline. Not counted in ClinVar's aggregate classification.

Color Diagnostics, LLC DBA Color Health
Classification: Pathogenic for Hereditary cancer-predisposing syndrome. Last evaluated: 2024-05-06. Review status: criteria provided, single submitter. Criteria: ACMG Guidelines, 2015. Collection method: clinical testing. Allele origin: germline. Not counted in ClinVar's aggregate classification.
Comment: This variant deletes 5 nucleotides in exon 11 of the BRCA2 gene, creating a frameshift and premature translation stop signal. This variant is expected to result in an absent or non-functional protein product. This variant has been reported in individuals affected with ovarian/breast cancer (PMID: 22711857, 24504028, 24728189, 26681312, 27406733) and prostate cancer (PMID: 17700570). This variant has been identified in 1/246640 chromosomes in the general population by the Genome Aggregation Database (gnomAD). Loss of BRCA2 function is a known mechanism of disease. Based on the available evidence, this variant is classified as Pathogenic.

Baylor Genetics
Classification: Pathogenic for Familial cancer of breast. Last evaluated: 2024-01-10. Review status: criteria provided, single submitter. Criteria: ACMG Guidelines, 2015. Collection method: clinical testing. Allele origin: unknown. Not counted in ClinVar's aggregate classification.

GeneDx
Classification: Pathogenic. Last evaluated: 2023-09-15. Review status: criteria provided, single submitter. Criteria: GeneDx Variant Classification Process June 2021. Collection method: clinical testing. Allele origin: germline. Affected: yes. Not counted in ClinVar's aggregate classification.
Comment: Frameshift variant predicted to result in protein truncation or nonsense mediated decay in a gene for which loss-of-function is a known mechanism of disease; Observed in individuals with a personal or family history consistent with pathogenic variants in this gene (Agalliu et al., 2007; Cunningham et al., 2014; Song et al., 2014; Natarajan et al., 2016); Truncating variants in this gene are considered pathogenic by a well-established clinical consortium and/or database; Not observed at significant frequency in large population cohorts (gnomAD); Also known as 4625_4629delACATT and 1465_1467del; This variant is associated with the following publications: (PMID: 22144684, 17700570, 24504028, 24728189, 26681312, 27831900, 26295337, 27406733, 30267352, 10923033, 30720243, 30322717, 32719484, 32918181, 30787465, 33507482)

Sema4
Classification: Pathogenic for Hereditary cancer-predisposing syndrome. Last evaluated: 2021-10-22. Review status: criteria provided, single submitter. Criteria: Sema4 Curation Guidelines. Collection method: curation. Allele origin: germline. Not counted in ClinVar's aggregate classification.
Comment: The BRCA2 c.4398_4402delACATT (p.L1466FfsX2) variant has been reported in heterozygosity in at least 5 individuals with breast, ovarian, and prostate cancer (PMID: 26681312, 27831900, 24504028, 17700570) and in a large worldwide cohort of BRCA1/2 mutation positive families (PMID 29446198). This variant causes a frameshift at amino acid 1466 that results in premature termination 2 amino acids downstream. At this location, this is predicted to cause nonsense-mediated decay and result in an absent protein (loss of function). Loss of function variants in BRCA2 are known to be pathogenic (PMID: 29446198). This variant was observed in 1/112068 chromosomes in the Non-Finnish European population, according to the Genome Aggregation Database (PMID: 32461654). This variant has been reported in ClinVar (Variation ID: 51640). Based on the current evidence available, this variant is interpreted as pathogenic.

Quest Diagnostics Nichols Institute San Juan Capistrano
Classification: Pathogenic. Last evaluated: 2021-10-17. Review status: criteria provided, single submitter. Criteria: Quest Diagnostics criteria. Collection method: clinical testing. Allele origin: unknown. Not counted in ClinVar's aggregate classification.

Laboratory for Molecular Medicine, Mass General Brigham Personalized Medicine
Classification: Pathogenic for Hereditary breast ovarian cancer syndrome. Last evaluated: 2021-07-15. Review status: criteria provided, single submitter. Criteria: ACMG Guidelines, 2015. Collection method: clinical testing. Allele origin: germline. Inheritance: Autosomal dominant inheritance. Not counted in ClinVar's aggregate classification.
Comment: The p.Leu1466PhefsX2 variant in BRCA2 has been reported in at least 7 individuals with BRCA2-associated cancers (Agalliu 2007 PMID:17700570, Cunningham 2014 PMID:24504028, Susswein 2016 PMID:26681312, and Breast Cancer Information Core (BIC) database). This variant has been identified in 0.003% (2/68012) European chromosomes by gnomAD (v3.1). This frequency is low enough to be consistent with the frequency of hereditary breast and ovarian cancer (HBOC) in the general population. This variant is predicted to cause a frameshift, which alters the protein’s amino acid sequence beginning at position 1466 and leads to a premature termination codon 2 amino acids downstream. This alteration is then predicted to lead to a truncated or absent protein. Heterozygous loss of function of the BRCA2 gene is an established disease mechanism in individuals with hereditary breast and ovarian cancer (HBOC). Additionally, this variant was classified as pathogenic on April 22, 2016 by the ClinGen-approved ENIGMA expert panel (Variation ID 51640). In summary, this variant meets criteria to be classified as pathogenic for HBOC in an autosomal dominant manner. ACMG/AMP criteria applied: PS4_Moderate, PM2_Supporting, PVS1.

Revvity Omics, Revvity
Classification: Pathogenic. Last evaluated: 2021-06-30. Review status: criteria provided, single submitter. Criteria: ACMG Guidelines, 2015. Collection method: clinical testing. Allele origin: germline. Not counted in ClinVar's aggregate classification.

Women's Health and Genetics/Laboratory Corporation of America, LabCorp
Classification: Pathogenic for Hereditary breast and ovarian cancer syndrome. Last evaluated: 2019-07-02. Review status: criteria provided, single submitter. Criteria: LabCorp Variant Classification Summary - May 2015. Collection method: clinical testing. Allele origin: germline. Not counted in ClinVar's aggregate classification.
Comment: Variant summary: BRCA2 c.4398_4402delACATT (p.Leu1466PhefsX2) results in a premature termination codon, predicted to cause a truncation of the encoded protein or absence of the protein due to nonsense mediated decay, which are commonly known mechanisms for disease. Truncations downstream of this position have been classified as pathogenic by our laboratory. The variant allele was found at a frequency of 4e-06 in 249696 control chromosomes. c.4398_4402delACATT has been reported in the literature in multiple individuals affected with Breast and Ovarian Cancer (Alsop_2012, Song_2014, George_2016, Susswein_2016, Rebbeck_2018) and prostate cancer (Agalliu_2007). One publication, George_2016). To our knowledge, no experimental evidence demonstrating an impact on protein function has been reported. Nine ClinVar submissions including one expert panel, ENIGMA, (evaluation after 2014) cite the variant as pathogenic. Based on the evidence outlined above, the variant was classified as pathogenic.

Consortium of Investigators of Modifiers of BRCA1/2 (CIMBA), c/o University of Cambridge
Classification: Pathogenic for Breast-ovarian cancer, familial, susceptibility to, 2. Last evaluated: 2015-10-02. Review status: criteria provided, single submitter. Criteria: CIMBA Mutation Classification guidelines May 2016. Collection method: clinical testing. Allele origin: germline. Not counted in ClinVar's aggregate classification.

Molecular Genetics Laboratory, University of Michigan
Classification: Pathogenic for Breast-ovarian cancer, familial, susceptibility to, 2. Last evaluated: 2014-11-03. Review status: criteria provided, single submitter. Criteria: ACMG Guidelines, 2015. Collection method: clinical testing. Allele origin: germline. Affected: yes. Not counted in ClinVar's aggregate classification.

Counsyl
Classification: Pathogenic for Breast-ovarian cancer, familial, susceptibility to, 2. Last evaluated: 2016-08-30. Review status: no assertion criteria provided. Collection method: clinical testing. Allele origin: unknown. Not counted in ClinVar's aggregate classification.

Sharing Clinical Reports Project (SCRP)
Classification: Pathogenic for Breast-ovarian cancer, familial 2. Last evaluated: 2012-05-01. Review status: no assertion criteria provided. Collection method: clinical testing. Allele origin: germline. Not counted in ClinVar's aggregate classification.

Breast Cancer Information Core (BIC) (BRCA2)
Classification: Pathogenic for Breast-ovarian cancer, familial 2. Last evaluated: 2002-05-29. Review status: no assertion criteria provided. Collection method: clinical testing. Allele origin: germline. Affected: yes. Observed: 3 variant alleles. Not counted in ClinVar's aggregate classification.

Department of Pathology and Laboratory Medicine, Sinai Health System
Classification: Pathogenic for Malignant tumor of breast. Review status: no assertion criteria provided. Collection method: clinical testing. Allele origin: unknown. Affected: yes. Observed: 1 variant allele. Study: The Canadian Open Genetics Repository (COGR). Not counted in ClinVar's aggregate classification.
Comment: The p.Leu1466PhefsX2 variant was not identified in the literature but was identified in dbSNP as a pathogenic allele (ID: rs80359444), in the Exome Aggregation Consortium (ExAC) database (released Jan 13, 2015) in 1 of 119188 chromosomes (frequency: 8.39E-06) (or 1 individual from a population of 32803 European (Non-Finnish) individuals and none from East Asian, African, Latino, South Asian, European (Finnish) or Other individuals. It was also identified in the Clinvitae database (4X), the ClinVar database (classified as a pathogenic variant by the Sharing Clinical Reports Project, derived from Myriad reports, Invitae, BIC, Ambry Genetics and GeneDX), the BIC database (3X with pathogenic clinical importance), and UMD (4X as a causal variant). The p.Leu1466PhefsX2 deletion variant is predicted to cause a frameshift, which alters the protein's amino acid sequence beginning at codon 1466 and leads to a premature stop codon 2 codons downstream. This alteration is then predicted to result in a truncated or absent protein and loss of function. Loss of function variants of the BRCA2 gene are an established mechanism of disease in hereditary breast and ovarian cancer and is the type of variant expected to cause the disorder. In summary, based on the above information, this variant meets our laboratoryâ€šÃ„Ã´s criteria to be classified as pathogenic.

Literature cited by the submitters: PubMed 20104584 (cited by Labcorp Genetics (formerly Invitae), Labcorp); PubMed 17700570 (cited by 6 submitters); PubMed 24504028 (cited by 5 submitters); PubMed 24728189 (cited by 6 submitters); PubMed 26681312 (cited by 8 submitters); PubMed 27406733 (cited by 4 submitters); PubMed 27831900 (cited by Labcorp Genetics (formerly Invitae), Labcorp and Sema4); PubMed 29446198 (cited by 5 submitters); PubMed 30267352 (cited by Ambry Genetics and Mayo Clinic Laboratories, Mayo Clinic); PubMed 8988179 (cited by All of Us Research Program, National Institutes of Health); PubMed 11897832 (cited by All of Us Research Program, National Institutes of Health); PubMed 22711857 (cited by Color Diagnostics, LLC DBA Color Health and Women's Health and Genetics/Laboratory Corporation of America, LabCorp); PubMed 27157322 (cited by Women's Health and Genetics/Laboratory Corporation of America, LabCorp).